The following is an entry in ClinVar:

ClinVar aggregate classification (germline): Uncertain significance (1 of 4 stars; one submission).

Submission:

GeneDx
Classification: Uncertain significance. Last evaluated: 2026-01-27. Review status: criteria provided, single submitter. Criteria: GeneDx Variant Classification Process June 2021. Collection method: clinical testing. Allele origin: germline.
Comment: In silico analysis supports that this missense variant has a deleterious effect on protein structure/function; Has not been previously published as pathogenic or benign to our knowledge

NM_031889.3(ENAM):c.2519C>A (p.Ser840Tyr)

Gene: ENAM (enamelin; plus strand). Cytogenetic location: 4q13.3.
Variant type: single nucleotide variant.
Coding change: c.2519C>A on transcript NM_031889.3 (MANE Select); coding-DNA position 2519, C replaced by A.
Protein change: p.Ser840Tyr; replaces serine 840 with tyrosine.
Molecular consequence: missense variant.
Genome position (GRCh38, 1-based): chr4:70,643,945, C>A. VCF-style: chr4-70643945-C-A. GRCh37 (hg19) VCF-style: chr4-71509662-C-A.
Other names: c.1865C>A, p.Ser622Tyr (NM_001368133.1); short protein forms S622Y, S840Y.
Identifiers: ClinVar variation 4975772 (VCV004975772.1).